The following is an entry in ClinVar:

ClinVar aggregate classification (germline): Likely benign (1 of 4 stars; one submission).

gnomAD v4.1: 10 of 1,612,960 alleles (0.00062%); highest among the groups gnomAD compares: Non-Finnish European, 0.00085%; no homozygotes.

Submission:

Athena Diagnostics
Classification: Likely benign. Last evaluated: 2025-10-01. Review status: criteria provided, single submitter. Criteria: Athena Diagnostics Criteria. Collection method: clinical testing. Allele origin: unknown.
Comment: Computational tools yielded predictions that this variant is unlikely to have an effect on normal RNA splicing. This nucleotide position exhibits low evolutionary conservation.

NM_000500.9(CYP21A2):c.498T>C (p.Ser166=)

Genes: CYP21A2 (cytochrome P450 family 21 subfamily A member 2; plus strand), LOC106780800 (CYP21A2 recombination region; plus strand). Cytogenetic location: 6p21.33.
Variant type: single nucleotide variant.
Coding change: c.498T>C on transcript NM_000500.9 (MANE Select); coding-DNA position 498, T replaced by C.
Protein change: p.Ser166=; no amino-acid change (serine 166 retained).
Molecular consequence: synonymous variant.
Genome position (GRCh38, 1-based): chr6:32,039,406, T>C. VCF-style: chr6-32039406-T-C. GRCh37 (hg19) VCF-style: chr6-32007183-T-C.
Other names: c.408T>C, p.Ser136= (NM_001128590.4); c.93T>C, p.Ser31= (NM_001368143.2, NM_001368144.2).
Identifiers: ClinVar variation 4682414 (VCV004682414.1).
Genomic context (GRCh38, chr6:32,039,406, plus strand): 5'-TTCTCCACAGCGCATGAGAGCCCAGCCCGGCACCCCTGTGGCCATTGAGGAGGAATTCTC[T>C]CTCCTCACCTGCAGCATCATCTGTTACCTCACCTTCGGAGACAAGATCAAGGTGCCTCAC-3'
Protein context (NP_000491.4, residues 156-176): GTPVAIEEEF[Ser166=]LLTCSIICYL